The following is an entry in ClinVar:

NM_001172509.2(SATB2):c.665T>C (p.Phe222Ser)

Gene: SATB2 (SATB homeobox 2; minus strand). Cytogenetic location: 2q33.1.
Variant type: single nucleotide variant.
Coding change: c.665T>C on transcript NM_001172509.2 (MANE Select); coding-DNA position 665, T replaced by C.
Protein change: p.Phe222Ser; replaces phenylalanine 222 with serine.
Molecular consequence: missense variant.
Genome position (GRCh38, 1-based): chr2:199,368,640, A>G on the plus strand (T>C on the coding strand, the complement: SATB2 is on the minus strand). VCF-style: chr2-199368640-A-G. GRCh37 (hg19) VCF-style: chr2-200233363-A-G.
Other names: c.665T>C, p.Phe222Ser (NM_001172517.1, NM_015265.4); short protein forms F222S.
Identifiers: ClinVar variation 2500305 (VCV002500305.1), dbSNP rs2468928533, ClinGen allele CA350387323.
Genomic context (GRCh38, chr2:199,368,640, plus strand): 5'-TTTACAAACAAAAAAGTCAGTTTACCTTTAATCTTCTTGTACTTTTTATACCATCTCCCA[A>G]ACTCCTGGCACTTGGTTGCTGACACATTGGCATAATATGTGCTATTTACAATGGATGAAA-3'
Protein context (NP_001165980.1, residues 212-232): ANVSATKCQE[Phe222Ser]GRWYKKYKKI

ClinVar aggregate classification (germline): Likely pathogenic (1 of 4 stars; one submission).

Conditions:
Chromosome 2q32-q33 deletion syndrome (GLASS). Also called: 2q33.1 deletion syndrome; Glass syndrome. Identifiers: Orphanet 251019, MedGen C2676739, MONDO:0012864, OMIM 612313.

Submission:

Institute of Human Genetics, University of Leipzig Medical Center
Classification: Likely pathogenic for Chromosome 2q32-q33 deletion syndrome. Last evaluated: 2023-03-21. Review status: criteria provided, single submitter. Criteria: ACMG Guidelines, 2015. Collection method: clinical testing. Allele origin: de novo. Affected: yes.
Comment: This variant was identified as de novo (maternity and paternity confirmed)._x000D_ Criteria applied: PS2_MOD, PM1, PM2_SUP, PP2, PP3